The following is an entry in ClinVar:

ClinVar aggregate classification (germline): Pathogenic (1 of 4 stars; one submission).

Submission:

GeneDx
Classification: Pathogenic. Last evaluated: 2025-09-02. Review status: criteria provided, single submitter. Criteria: GeneDx Variant Classification Process June 2021. Collection method: clinical testing. Allele origin: germline. Affected: yes.
Comment: Canonical splice site variant predicted to result in a null allele in a gene for which loss of function is a known mechanism of disease; Not observed at significant frequency in large population cohorts (gnomAD); Has not been previously published as pathogenic or benign to our knowledge

NM_000397.4(CYBB):c.1314+1_1314+5del

Gene: CYBB (cytochrome b-245 beta chain; plus strand). Cytogenetic location: Xp11.4.
Variant type: Deletion.
Coding change: c.1314+1_1314+5del on transcript NM_000397.4 (MANE Select); the canonical splice donor site of the intron after coding-DNA position 1314 through 5 bases into the intron after coding-DNA position 1314, 5 bases deleted (GTAAG; older notation c.1314+1_1314+5delGTAAG).
Molecular consequence: splice donor variant.
Genome position (GRCh38, 1-based): chrX:37,805,169-37,805,173, GTAAG deleted; deleting any 5 consecutive bases within chrX:37,805,166-37,805,173 gives the same sequence; the c. name uses the placement nearest the transcript's 3' end. VCF-style (leftmost placement, unchanged base first): chrX-37805165-AAAGGT-A. GRCh37 (hg19) VCF-style: chrX-37664418-AAAGGT-A.
Identifiers: ClinVar variation 4812928 (VCV004812928.1).
Genomic context (GRCh38, chrX:37,805,165, plus strand): 5'-ATCCATTCTCAAGTCAGTCTGGTACAAATATTGCAATAACGCCACCAATCTGAAGCTCAA[AAAGGT>A]AAGTCCTTTCATTTATCGGAGGGCCTTAGAGCAGTAACCATACTCTGCCATGTGAGGCCT-3'